The following is an entry in ClinVar:

NM_003872.3(NRP2):c.2408C>G (p.Pro803Arg)

Gene: NRP2 (neuropilin 2; plus strand). Cytogenetic location: 2q33.3.
Variant type: single nucleotide variant.
Coding change: c.2408C>G on transcript NM_003872.3 (MANE Select); coding-DNA position 2408, C replaced by G.
Protein change: p.Pro803Arg; replaces proline 803 with arginine.
Molecular consequence: missense variant.
Genome position (GRCh38, 1-based): chr2:205,766,786, C>G. VCF-style: chr2-205766786-C-G. GRCh37 (hg19) VCF-style: chr2-206631510-C-G.
Other names: c.2408C>G, p.Pro803Arg (NM_018534.4, NM_201266.2, NM_201267.2 and 1 more transcripts); short protein forms P803R.
Identifiers: ClinVar variation 3346811 (VCV003346811.1).
Genomic context (GRCh38, chr2:205,766,786, plus strand): 5'-TTCACCCAATTGTTTCTTGCCTTTAACTAAGTCCAATTTTTTGTTTGTTTTTTTCAGAAC[C>G]CATCTCGGCTTTTGCAGGTGAGAATTTTAAAGGTAAAAAAAAATTTTTTTTTTGCATGCT-3'
Protein context (NP_003863.2, residues 793-813): TDVPLENCME[Pro803Arg]ISAFAVDIPE

ClinVar aggregate classification (germline): Uncertain significance (0 of 4 stars; one submission).

Conditions:
NRP2-related disorder. Also called: NRP2-related condition.

Submission:

PreventionGenetics, part of Exact Sciences
Classification: Uncertain significance for NRP2-related condition. Last evaluated: 2024-08-07. Review status: no assertion criteria provided. Collection method: clinical testing. Allele origin: germline.
Comment: The NRP2 c.2408C>G variant is predicted to result in the amino acid substitution p.Pro803Arg. To our knowledge, this variant has not been reported in the literature or in a large population database, indicating this variant is rare. At this time, the clinical significance of this variant is uncertain due to the absence of conclusive functional and genetic evidence.